The following is an entry in ClinVar:

NM_000057.4(BLM):c.604_607del (p.Asn202fs)

Gene: BLM (BLM RecQ like helicase; plus strand). Cytogenetic location: 15q26.1.
Variant type: Microsatellite.
Coding change: c.604_607del on transcript NM_000057.4 (MANE Select); coding-DNA positions 604 to 607, 4 bases deleted (AACA; older notation c.604_607delAACA).
Protein change: p.Asn202fs; shifts the reading frame from asparagine 202.
Molecular consequence: frameshift variant. On other transcripts: 5 prime UTR variant (1).
Genome position (GRCh38, 1-based): chr15:90,749,872-90,749,875, AACA deleted; deleting any 4 consecutive bases within chr15:90,749,868-90,749,875 gives the same sequence; the c. name uses the placement nearest the transcript's 3' end. VCF-style (leftmost placement, unchanged base first): chr15-90749867-CAACA-C. GRCh37 (hg19) VCF-style: chr15-91293097-CAACA-C.
Other names: c.604_607del (NM_000057.3); c.-692AACA[1] (NM_001287248.2); c.604_607del, p.Asn202fs (NM_001287247.2, NM_001287246.2); short protein forms N202fs.
Identifiers: ClinVar variation 661923 (VCV000661923.14), dbSNP rs774777021, ClinGen allele CA7738315.

ClinVar aggregate classification (germline): Pathogenic. Review status: criteria provided, multiple submitters, no conflicts (2 of 4 stars). 3 submissions from 3 submitters: Pathogenic (3). Last evaluated 2026-06-11.

Conditions:
Hereditary cancer-predisposing syndrome. Also called: Hereditary Cancer Syndrome; Hereditary neoplastic syndrome; Neoplastic Syndromes, Hereditary; Tumor predisposition. Identifiers: Orphanet 140162, MedGen C0027672, MeSH D009386, MONDO:0015356.
Bloom syndrome (BLM). Also called: Bloom-Torre-Machacek syndrome. Identifiers: Orphanet 125, MedGen C0005859, MONDO:0008876, OMIM 210900.

Submissions (3):

Myriad Genetics, Inc.
Classification: Pathogenic for Bloom syndrome. Last evaluated: 2026-06-11. Review status: criteria provided, single submitter. Criteria: Myriad Autosomal Dominant, Autosomal Recessive and X-Linked Classification Criteria (2023). Collection method: clinical testing. Allele origin: unknown.
Comment: This variant is considered pathogenic. This variant creates a frameshift predicted to result in premature protein truncation.

Labcorp Genetics (formerly Invitae), Labcorp
Classification: Pathogenic for Bloom syndrome. Last evaluated: 2025-11-10. Review status: criteria provided, single submitter. Criteria: Invitae Variant Classification Sherloc (09022015). Collection method: clinical testing. Allele origin: germline.
Comment: This sequence change creates a premature translational stop signal (p.Asn202Glnfs*2) in the BLM gene. It is expected to result in an absent or disrupted protein product. Loss-of-function variants in BLM are known to be pathogenic (PMID: 17407155). This variant is present in population databases (rs774777021, gnomAD 0.002%). This premature translational stop signal has been observed in individual(s) with advanced cancer (PMID: 26556299). ClinVar contains an entry for this variant (Variation ID: 661923). For these reasons, this variant has been classified as Pathogenic.

Ambry Genetics
Classification: Pathogenic for Hereditary cancer-predisposing syndrome. Last evaluated: 2021-06-29. Review status: criteria provided, single submitter. Criteria: Ambry Variant Classification Scheme 2023. Collection method: clinical testing. Allele origin: germline.
Comment: The c.604_607delAACA pathogenic mutation, located in coding exon 2 of the BLM gene, results from a deletion of 4 nucleotides at nucleotide positions 604 to 607, causing a translational frameshift with a predicted alternate stop codon (p.N202Qfs*2). This alteration was identified in an individual with advanced stage non-small cell lung cancer (Schrader KA et al. JAMA Oncol, 2016 Jan;2:104-11). In addition to the clinical data presented in the literature, this alteration is expected to result in loss of function by premature protein truncation or nonsense-mediated mRNA decay. As such, this alteration is interpreted as a disease-causing mutation.

Literature cited by the submitters: PubMed 17407155 (cited by Labcorp Genetics (formerly Invitae), Labcorp); PubMed 26556299 (cited by Labcorp Genetics (formerly Invitae), Labcorp and Ambry Genetics).